The following is an entry in ClinVar:

NM_001130438.3(SPTAN1):c.1607A>G (p.Asn536Ser)

Gene: SPTAN1 (spectrin alpha, non-erythrocytic 1; plus strand). Cytogenetic location: 9q34.11.
Variant type: single nucleotide variant.
Coding change: c.1607A>G on transcript NM_001130438.3 (MANE Select); coding-DNA position 1607, A replaced by G.
Protein change: p.Asn536Ser; replaces asparagine 536 with serine.
Molecular consequence: missense variant.
Genome position (GRCh38, 1-based): chr9:128,582,513, A>G. VCF-style: chr9-128582513-A-G. GRCh37 (hg19) VCF-style: chr9-131344792-A-G.
Other names: c.1607A>G, p.Asn536Ser (NM_001195532.2, NM_001363759.2, NM_001363765.2 and 5 more transcripts); c.1643A>G, p.Asn548Ser (NM_001375312.2, NM_001375318.1); short protein forms N548S, N536S.
Identifiers: ClinVar variation 3635899 (VCV003635899.2).

ClinVar aggregate classification (germline): Uncertain significance (1 of 4 stars; one submission).

Conditions:
Early-infantile DEE. Also called: Early infantile epileptic encephalopathy; Ohtahara syndrome; Early infantile epileptic encephalopathy with suppression bursts. Identifiers: Orphanet 1934, MedGen C0393706, MONDO:0800491.

gnomAD v4.1: 3 of 1,614,208 alleles (0.00019%); highest among the groups gnomAD compares: South Asian, 0.0011%; no homozygotes.

Submission:

Labcorp Genetics (formerly Invitae), Labcorp
Classification: Uncertain significance for Early-infantile DEE. Last evaluated: 2024-02-06. Review status: criteria provided, single submitter. Criteria: Invitae Variant Classification Sherloc (09022015). Collection method: clinical testing. Allele origin: germline.
Comment: This sequence change replaces asparagine, which is neutral and polar, with serine, which is neutral and polar, at codon 536 of the SPTAN1 protein (p.Asn536Ser). This variant is not present in population databases (gnomAD no frequency). This variant has not been reported in the literature in individuals affected with SPTAN1-related conditions. Advanced modeling of protein sequence and biophysical properties (such as structural, functional, and spatial information, amino acid conservation, physicochemical variation, residue mobility, and thermodynamic stability) has been performed at Invitae for this missense variant, however the output from this modeling did not meet the statistical confidence thresholds required to predict the impact of this variant on SPTAN1 protein function. In summary, the available evidence is currently insufficient to determine the role of this variant in disease. Therefore, it has been classified as a Variant of Uncertain Significance.